The following is an entry in ClinVar:

ClinVar aggregate classification (germline): Uncertain significance (1 of 4 stars; one submission).

Conditions:
Cardiomyopathy (CMYO). Also called: Cardiomyopathies. Identifiers: Orphanet 167848, MedGen C0878544, MONDO:0004994, HP:0001638. Inheritance: Various modes of inheritance.

Submission:

Color Diagnostics, LLC DBA Color Health
Classification: Uncertain significance for Cardiomyopathy. Last evaluated: 2025-08-30. Review status: criteria provided, single submitter. Criteria: ACMG Guidelines, 2015. Collection method: clinical testing. Allele origin: germline.
Comment: This missense variant replaces alanine with aspartic acid at codon 1336 of the MYH7 protein. Computational prediction suggests that this variant may have deleterious impact on protein structure and function. To our knowledge, functional studies have not been reported for this variant. This variant has not been reported in individuals affected with MYH7-related disorders in the literature. This variant has not been identified in the general population by the Genome Aggregation Database (gnomAD). The available evidence is insufficient to determine the role of this variant in disease conclusively. Therefore, this variant is classified as a Variant of Uncertain Significance.

NM_000257.4(MYH7):c.4007C>A (p.Ala1336Asp)

Gene: MYH7 (myosin heavy chain 7; minus strand). Cytogenetic location: 14q11.2.
Variant type: single nucleotide variant.
Coding change: c.4007C>A on transcript NM_000257.4 (MANE Select); coding-DNA position 4007, C replaced by A.
Protein change: p.Ala1336Asp; replaces alanine 1336 with aspartic acid.
Molecular consequence: missense variant.
Genome position (GRCh38, 1-based): chr14:23,418,372, G>T on the plus strand (C>A on the coding strand, the complement: MYH7 is on the minus strand). VCF-style: chr14-23418372-G-T. GRCh37 (hg19) VCF-style: chr14-23887581-G-T.
Other names: c.4007C>A, p.Ala1336Asp (NM_001407004.1); short protein forms A1336D.
Identifiers: ClinVar variation 4758032 (VCV004758032.1).